The following is an entry in ClinVar:

NM_002691.4(POLD1):c.1215C>T (p.Tyr405=)

Gene: POLD1 (DNA polymerase delta 1, catalytic subunit; plus strand). Cytogenetic location: 19q13.33.
Variant type: single nucleotide variant.
Coding change: c.1215C>T on transcript NM_002691.4 (MANE Select); coding-DNA position 1215, C replaced by T.
Protein change: p.Tyr405=; no amino-acid change (tyrosine 405 retained).
Molecular consequence: synonymous variant. On other transcripts: non-coding transcript variant (1).
Genome position (GRCh38, 1-based): chr19:50,403,570, C>T. VCF-style: chr19-50403570-C-T. GRCh37 (hg19) VCF-style: chr19-50906827-C-T.
Other names: c.1215C>T, p.Tyr405= (NM_001256849.1, NM_001308632.1).
Identifiers: ClinVar variation 514507 (VCV000514507.23), dbSNP rs1555790585, ClinGen allele CA508183191.

ClinVar aggregate classification (germline): Benign/Likely benign. Review status: criteria provided, multiple submitters, no conflicts (2 of 4 stars). 5 submissions from 5 submitters: Benign (1); Likely benign (4). Last evaluated 2025-10-29.

Conditions:
Hereditary cancer-predisposing syndrome. Also called: Tumor predisposition; Hereditary Cancer Syndrome; Hereditary neoplastic syndrome; Neoplastic Syndromes, Hereditary. Identifiers: Orphanet 140162, MedGen C0027672, MeSH D009386, MONDO:0015356.
POLD1-related polyposis and colorectal cancer syndrome (CRCS10). Also called: Colorectal cancer 10; COLORECTAL CANCER, SUSCEPTIBILITY TO, ON CHROMOSOME 19q; Colorectal cancer, susceptibility to, 10. Identifiers: Orphanet 220460, MedGen C2675481, MONDO:0012953, OMIM 612591.

Allele frequency attached by ClinVar (database versions not stated): gnomAD exomes below 0.00001.
gnomAD v4.1: 1 of 1,613,358 alleles (0.000062%); highest among the groups gnomAD compares: Non-Finnish European, 0.000085%; no homozygotes.

Submissions (5):

Labcorp Genetics (formerly Invitae), Labcorp
Classification: Likely benign for POLD1-related polyposis and colorectal cancer syndrome. Last evaluated: 2025-10-29. Review status: criteria provided, single submitter. Criteria: Invitae Variant Classification Sherloc (09022015). Collection method: clinical testing. Allele origin: germline.

Center for Genomic Medicine, Rigshospitalet, Copenhagen University Hospital
Classification: Likely benign. Last evaluated: 2025-03-04. Review status: criteria provided, single submitter. Criteria: ACMG Guidelines, 2015. Collection method: clinical testing. Allele origin: germline.

Myriad Genetics, Inc.
Classification: Benign for POLD1-related polyposis and colorectal cancer syndrome. Last evaluated: 2025-02-05. Review status: criteria provided, single submitter. Criteria: Myriad Autosomal Dominant, Autosomal Recessive and X-Linked Classification Criteria (2023). Collection method: clinical testing. Allele origin: unknown.
Comment: This variant is considered benign. This variant is a silent/synonymous amino acid change and it is not expected to impact splicing.

Ambry Genetics
Classification: Likely benign for Hereditary cancer-predisposing syndrome. Last evaluated: 2018-03-28. Review status: criteria provided, single submitter. Criteria: Ambry Variant Classification Scheme 2023. Collection method: clinical testing. Allele origin: germline.

GeneDx
Classification: Likely benign. Last evaluated: 2017-12-28. Review status: criteria provided, single submitter. Criteria: GeneDx Variant Classification (06012015). Collection method: clinical testing. Allele origin: germline. Affected: yes.
Comment: This variant is considered likely benign or benign based on one or more of the following criteria: it is a conservative change, it occurs at a poorly conserved position in the protein, it is predicted to be benign by multiple in silico algorithms, and/or has population frequency not consistent with disease.